The following is an entry in ClinVar:

ClinVar aggregate classification (germline): Pathogenic. Review status: criteria provided, multiple submitters, no conflicts (2 of 4 stars). 2 submissions from 2 submitters: Pathogenic (2). Last evaluated 2023-05-15.

Conditions:
Hereditary cancer-predisposing syndrome. Also called: Neoplastic Syndromes, Hereditary; Tumor predisposition; Hereditary Cancer Syndrome; Hereditary neoplastic syndrome. Identifiers: Orphanet 140162, MedGen C0027672, MeSH D009386, MONDO:0015356.
Familial adenomatous polyposis 1 (FAP1). Also called: FAMILIAL ADENOMATOUS POLYPOSIS 1, ATTENUATED; POLYPOSIS, ADENOMATOUS INTESTINAL. Identifiers: MedGen C2713442, MONDO:0021056, OMIM 175100. Disease mechanism: loss of function.

Submissions (2):

Myriad Genetics, Inc.
Classification: Pathogenic for Familial adenomatous polyposis 1. Last evaluated: 2023-05-15. Review status: criteria provided, single submitter. Criteria: Myriad Autosomal Dominant, Autosomal Recessive and X-Linked Classification Criteria (2023). Collection method: clinical testing. Allele origin: unknown.
Comment: This variant is considered pathogenic. This variant creates a frameshift predicted to result in premature protein truncation.

Ambry Genetics
Classification: Pathogenic for Hereditary cancer-predisposing syndrome. Last evaluated: 2014-12-08. Review status: criteria provided, single submitter. Criteria: Ambry Variant Classification Scheme 2023. Collection method: clinical testing. Allele origin: germline.
Comment: The c.6126_6141del16 pathogenic mutation, located in coding exon 15 of the APC gene, results from a deletion of 16 nucleotides between positions 6126 and 6141, causing a translational frameshift with a predicted alternate stop codon. Since frameshifts are typically deleterious in nature, this alteration is interpreted as a disease-causing mutation (ACMG Recommendations for Standards for Interpretation and Reporting of Sequence Variations. Revision 2007. Genet Med. 2008;10:294).

NM_000038.6(APC):c.6126_6141del (p.Ile2043fs)

Gene: APC (APC regulator of Wnt signaling pathway; plus strand). Cytogenetic location: 5q22.2.
Variant type: Deletion.
Coding change: c.6126_6141del on transcript NM_000038.6 (MANE Select); coding-DNA positions 6126 to 6141, 16 bases deleted (TATAAGCTCCGCAATG).
Protein change: p.Ile2043fs; shifts the reading frame from isoleucine 2043.
Molecular consequence: frameshift variant.
Genome position (GRCh38, 1-based): chr5:112,841,720-112,841,735, TATAAGCTCCGCAATG deleted; deleting any 16 consecutive bases within chr5:112,841,716-112,841,735 gives the same sequence; the c. name uses the placement nearest the transcript's 3' end. VCF-style (leftmost placement, unchanged base first): chr5-112841715-GAATGTATAAGCTCCGC-G. GRCh37 (hg19) VCF-style: chr5-112177412-GAATGTATAAGCTCCGC-G.
Other names: c.6126_6141del, p.Ile2043fs (NM_001127510.3, NM_001354895.2); c.6072_6087del, p.Ile2025fs (NM_001127511.3); c.6180_6195del, p.Ile2061fs (NM_001354896.2); c.6156_6171del, p.Ile2053fs (NM_001354897.2); c.6051_6066del, p.Ile2018fs (NM_001354898.2); c.6042_6057del, p.Ile2015fs (NM_001354899.2); c.6003_6018del, p.Ile2002fs (NM_001354900.2); c.5949_5964del, p.Ile1984fs (NM_001354901.2); and 5 more; short protein forms I1883fs, I2018fs, I2043fs, I1952fs, I1984fs, I2002fs, I1760fs, I1917fs.
Identifiers: ClinVar variation 186536 (VCV000186536.6), dbSNP rs786203024, ClinGen allele CA010951.